The following is an entry in ClinVar:

ClinVar aggregate classification (germline): Uncertain significance (1 of 4 stars; one submission).

Conditions:
Hereditary pancreatitis (PCTT). Also called: Hereditary chronic pancreatitis; PRSS1-Related Hereditary Pancreatitis. Identifiers: Orphanet 676, MedGen C0238339, MONDO:0008185, OMIM 167800.

Submission:

Ambry Genetics
Classification: Uncertain significance for Hereditary pancreatitis. Last evaluated: 2024-08-15. Review status: criteria provided, single submitter. Criteria: Ambry Variant Classification Scheme 2023. Collection method: clinical testing. Allele origin: germline.
Comment: The c.304_309dupGAGCAG variant (also known as p.E102_Q103dup), located in coding exon 3 of the CPA1 gene, results from an in-frame duplication of GAGCAG at nucleotide positions 304 to 309. This results in the duplication of 2 extra residues (EQ) between codons 102 and 103. This amino acid region is not well conserved in available vertebrate species. In addition, this alteration is predicted to be deleterious by in silico analysis (Choi Y et al. PLoS ONE. 2012; 7(10):e46688). Based on the available evidence, the clinical significance of this variant remains unclear.

NM_001868.4(CPA1):c.298GAGCAG[3] (p.Gln103_Met104insGluGln)

Gene: CPA1 (carboxypeptidase A1; plus strand). Cytogenetic location: 7q32.2.
Variant type: Microsatellite.
Coding change: c.298GAGCAG[3] on transcript NM_001868.4 (MANE Select); three copies in a row of the 6-base unit GAGCAG starting at c.298; the reference has two copies in a row; one copy, 6 bases duplicated.
Protein change: p.Gln103_Met104insGluGln.
Genome position (GRCh38, 1-based): chr7:130,381,786-130,381,791, GAGCAG duplicated; duplicating any 6 consecutive bases within chr7:130,381,778-130,381,791 gives the same sequence; the position shown is the placement nearest the transcript's 3' end. VCF-style (leftmost placement, unchanged base first): chr7-130381777-G-GAGGAGC. GRCh37 (hg19) VCF-style: chr7-130021618-G-GAGGAGC.
Identifiers: ClinVar variation 3496192 (VCV003496192.1).